The following is an entry in ClinVar:

NM_016239.4(MYO15A):c.8375T>C (p.Val2792Ala)

Gene: MYO15A (myosin XVA; plus strand). Cytogenetic location: 17p11.2.
Variant type: single nucleotide variant.
Coding change: c.8375T>C on transcript NM_016239.4 (MANE Select); coding-DNA position 8375, T replaced by C.
Protein change: p.Val2792Ala; replaces valine 2792 with alanine.
Molecular consequence: missense variant.
Genome position (GRCh38, 1-based): chr17:18,155,348, T>C. VCF-style: chr17-18155348-T-C. GRCh37 (hg19) VCF-style: chr17-18058662-T-C.
Other names: short protein forms V2792A.
Identifiers: ClinVar variation 915471 (VCV000915471.7), dbSNP rs983107737, ClinGen allele CA288414089.

ClinVar aggregate classification (germline): Conflicting classifications of pathogenicity. Review status: criteria provided, conflicting classifications (1 of 4 stars). 4 submissions from 4 submitters: Pathogenic (2); Likely pathogenic (1); Uncertain significance (1). Last evaluated 2025-06-26.

Conditions:
Autosomal recessive nonsyndromic hearing loss 3. Also called: NEUROSENSORY NONSYNDROMIC RECESSIVE DEAFNESS 3. Identifiers: Orphanet 90636, MedGen C1838263, MONDO:0010860, OMIM 600316.

Allele frequency attached by ClinVar (database versions not stated): gnomAD exomes below 0.00001; gnomAD 0.00001; TOPMed 0.00002.
gnomAD v4.1: 2 of 1,613,656 alleles (0.00012%); highest among the groups gnomAD compares: African/African-American, 0.0027%; no homozygotes.

Submissions (4):

Women's Health and Genetics/Laboratory Corporation of America, LabCorp
Classification: Uncertain significance. Last evaluated: 2025-06-26. Review status: criteria provided, single submitter. Criteria: LabCorp Variant Classification Summary - May 2015. Collection method: clinical testing. Allele origin: germline.
Comment: Variant summary: MYO15A c.8375T>C (p.Val2792Ala) results in a non-conservative amino acid change in the encoded protein sequence. Algorithms developed to predict the effect of missense changes on protein structure and function all suggest that this variant is likely to be disruptive. The variant allele was found at a frequency of 4e-06 in 249244 control chromosomes (gnomAD). c.8375T>C has been observed in compound heterozygous individuals from one family affected with Autosomal Recessive Nonsyndromic Hearing Loss 3 (e.g. Gao_2013, Yang_2022). These data indicate that the variant may be associated with disease. To our knowledge, no experimental evidence demonstrating an impact on protein function has been reported. The following publications have been ascertained in the context of this evaluation (PMID: 24206587, 36401330). ClinVar contains an entry for this variant (Variation ID: 915471). Based on the evidence outlined above, the variant was classified as VUS-possibly pathogenic.

Fulgent Genetics
Classification: Likely pathogenic for Autosomal recessive nonsyndromic hearing loss 3. Last evaluated: 2024-04-06. Review status: criteria provided, single submitter. Criteria: ACMG Guidelines, 2015. Collection method: clinical testing. Allele origin: germline.

Labcorp Genetics (formerly Invitae), Labcorp
Classification: Pathogenic. Last evaluated: 2023-11-14. Review status: criteria provided, single submitter. Criteria: Invitae Variant Classification Sherloc (09022015). Collection method: clinical testing. Allele origin: germline.
Comment: This sequence change replaces valine, which is neutral and non-polar, with alanine, which is neutral and non-polar, at codon 2792 of the MYO15A protein (p.Val2792Ala). This variant is present in population databases (no rsID available, gnomAD 0.007%). This missense change has been observed in individual(s) with deafness (PMID: 24206587, 36401330). It has also been observed to segregate with disease in related individuals. ClinVar contains an entry for this variant (Variation ID: 915471). Advanced modeling of protein sequence and biophysical properties (such as structural, functional, and spatial information, amino acid conservation, physicochemical variation, residue mobility, and thermodynamic stability) performed at Invitae indicates that this missense variant is expected to disrupt MYO15A protein function with a positive predictive value of 95%. For these reasons, this variant has been classified as Pathogenic.

Molecular Diagnosis Center for Deafness
Classification: Pathogenic for Autosomal recessive nonsyndromic hearing loss 3. Last evaluated: 2020-02-27. Review status: criteria provided, single submitter. Criteria: ClinGen HL ACMG Specifications v1. Collection method: case-control. Allele origin: paternal. Inheritance: Autosomal recessive inheritance. Affected: yes. Observed: 4 variant alleles. Clinical features observed: Sensorineural Hearing loss, severe.

Literature cited by the submitters: PubMed 24206587 (cited by 3 submitters); PubMed 36401330 (cited by Women's Health and Genetics/Laboratory Corporation of America, LabCorp and Labcorp Genetics (formerly Invitae), Labcorp).